The following is an entry in ClinVar:

NM_025114.4(CEP290):c.4745A>G (p.His1582Arg)

Gene: CEP290 (centrosomal protein 290; minus strand). Cytogenetic location: 12q21.32.
Variant type: single nucleotide variant.
Coding change: c.4745A>G on transcript NM_025114.4 (MANE Select); coding-DNA position 4745, A replaced by G.
Protein change: p.His1582Arg; replaces histidine 1582 with arginine.
Molecular consequence: missense variant.
Genome position (GRCh38, 1-based): chr12:88,083,914, T>C on the plus strand (A>G on the coding strand, the complement: CEP290 is on the minus strand). VCF-style: chr12-88083914-T-C. GRCh37 (hg19) VCF-style: chr12-88477691-T-C.
Other names: short protein forms H1582R.
Identifiers: ClinVar variation 2093151 (VCV002093151.4), dbSNP rs2499973651, ClinGen allele CA385993767.

ClinVar aggregate classification (germline): Uncertain significance (1 of 4 stars; one submission).

Conditions:
Joubert syndrome. Also called: CEREBELLOPARENCHYMAL DISORDER IV; JOUBERT-BOLTSHAUSER SYNDROME; Familial aplasia of the vermis. Identifiers: Orphanet 475, MedGen C5979921, MONDO:0018772.
Nephronophthisis. Also called: Juvenile Nephronophthisis. Identifiers: Orphanet 655, MedGen C0687120, MONDO:0019005, HP:0000090.
Meckel-Gruber syndrome. Also called: DYSENCEPHALIA SPLANCHNOCYSTICA; GRUBER SYNDROME; Dysencephalia splachnocystica. Identifiers: Orphanet 564, MedGen C0265215, MONDO:0018921.

Submission:

Labcorp Genetics (formerly Invitae), Labcorp
Classification: Uncertain significance for Joubert syndrome; Meckel-Gruber syndrome; Nephronophthisis. Last evaluated: 2022-08-13. Review status: criteria provided, single submitter. Criteria: Invitae Variant Classification Sherloc (09022015). Collection method: clinical testing. Allele origin: germline.
Comment: In summary, the available evidence is currently insufficient to determine the role of this variant in disease. Therefore, it has been classified as a Variant of Uncertain Significance. Algorithms developed to predict the effect of missense changes on protein structure and function output the following: SIFT: "Tolerated"; PolyPhen-2: "Benign"; Align-GVGD: "Class C0". The arginine amino acid residue is found in multiple mammalian species, which suggests that this missense change does not adversely affect protein function. This variant has not been reported in the literature in individuals affected with CEP290-related conditions. This variant is not present in population databases (gnomAD no frequency). This sequence change replaces histidine, which is basic and polar, with arginine, which is basic and polar, at codon 1582 of the CEP290 protein (p.His1582Arg).